The following is an entry in ClinVar:

NM_016203.4(PRKAG2):c.1105A>C (p.Ser369Arg)

Gene: PRKAG2 (protein kinase AMP-activated non-catalytic subunit gamma 2; minus strand). Cytogenetic location: 7q36.1.
Variant type: single nucleotide variant.
Coding change: c.1105A>C on transcript NM_016203.4 (MANE Select); coding-DNA position 1105, A replaced by C.
Protein change: p.Ser369Arg; replaces serine 369 with arginine.
Molecular consequence: missense variant.
Genome position (GRCh38, 1-based): chr7:151,570,172, T>G on the plus strand (A>C on the coding strand, the complement: PRKAG2 is on the minus strand). VCF-style: chr7-151570172-T-G. GRCh37 (hg19) VCF-style: chr7-151267258-T-G.
Other names: c.973A>C, p.Ser325Arg (NM_001040633.2, NM_001407024.1); c.730A>C, p.Ser244Arg (NM_001304527.2, NM_001407029.1); c.382A>C, p.Ser128Arg (NM_001304531.2, NM_001407034.1, NM_001407035.1 and 1 more transcripts); c.733A>C, p.Ser245Arg (NM_001363698.2, NM_001407028.1); c.1105A>C, p.Ser369Arg (NM_001407021.1); c.1102A>C, p.Ser368Arg (NM_001407022.1, NM_001407023.1); c.970A>C, p.Ser324Arg (NM_001407026.1, NM_001407027.1); c.817A>C, p.Ser273Arg (NM_001407030.1); and 6 more; short protein forms S127R, S128R, S144R, S148R, S244R, S245R, S261R, S263R.
Identifiers: ClinVar variation 3359385 (VCV003359385.1).

ClinVar aggregate classification (germline): Uncertain significance (1 of 4 stars; one submission).

Submission:

GeneDx
Classification: Uncertain significance. Last evaluated: 2023-06-02. Review status: criteria provided, single submitter. Criteria: GeneDx Variant Classification Process June 2021. Collection method: clinical testing. Allele origin: germline. Affected: yes.
Comment: Not observed at significant frequency in large population cohorts (gnomAD); In silico analysis supports that this missense variant has a deleterious effect on protein structure/function; Has not been previously published as pathogenic or benign to our knowledge; In silico analysis is inconclusive as to whether the variant alters gene splicing. In the absence of RNA/functional studies, the actual effect of this sequence change is unknown.